The following is an entry in ClinVar:

ClinVar aggregate classification (germline): Pathogenic. Review status: criteria provided, multiple submitters, no conflicts (2 of 4 stars). 8 submissions from 8 submitters: Pathogenic (6). 2 of the submissions do not count toward it. Last evaluated 2025-12-09.

Conditions:
FGFR1-related disorder. Also called: FGFR1-related disorders; FGFR1-related condition. Identifiers: MedGen CN380097.
Pfeiffer syndrome (ACS5). Also called: ACS V. Identifiers: Orphanet 710, MedGen C0220658, MONDO:0007043, OMIM 101600.
Hypogonadotropic hypogonadism 2 with or without anosmia (HH2). Also called: FGFR1-Related GnRH Deficiency (Kallmann Syndrome 2); HYPOGONADOTROPIC HYPOGONADISM 2 WITHOUT ANOSMIA; HYPOGONADOTROPIC HYPOGONADISM 2 WITHOUT ANOSMIA, SUSCEPTIBILITY TO; HYPOGONADOTROPIC HYPOGONADISM 2 WITH OR WITHOUT ANOSMIA, SUSCEPTIBILITY TO. Identifiers: Orphanet 478, MedGen C1563720, MONDO:0007844, OMIM 147950. Disease mechanism: loss of function.
Hypogonadotropic hypogonadism 2 with anosmia. Identifiers: MedGen C4016104.

gnomAD v4.1: 1 of 1,613,856 alleles (0.000062%); no homozygotes.

Submissions (8):

3billion
Classification: Pathogenic for FGFR1-related disorder. Last evaluated: 2025-12-09. Review status: criteria provided, single submitter. Criteria: ACMG Guidelines, 2015. Collection method: clinical testing. Allele origin: germline. Affected: yes.
Comment: The variant is observed at an extremely low frequency in the gnomAD v4.1.0 dataset (total allele frequency: <0.001%). Predicted Consequence/Location: Stop-gained (nonsense): predicted to result in a loss or disruption of normal protein function through nonsense-mediated decay (NMD) or protein truncation. Multiple pathogenic variants are reported downstream of the variant. The variant has been reported at least twice as pathogenic with clinical assertions and evidence for the classification (ClinVar ID: VCV000016296 /PMID: 17360555). Therefore, this variant is classified as Pathogenic according to the recommendation of ACMG/AMP guideline.

Blueprint Genetics
Classification: Pathogenic for FGFR1-related disorders. Last evaluated: 2024-02-09. Review status: criteria provided, single submitter. Criteria: ACMG Guidelines, 2015. Collection method: clinical testing. Allele origin: germline. Affected: yes. Observed: 2 variant alleles.

Labcorp Genetics (formerly Invitae), Labcorp
Classification: Pathogenic for Pfeiffer syndrome; Hypogonadotropic hypogonadism 2 with or without anosmia. Last evaluated: 2023-07-27. Review status: criteria provided, single submitter. Criteria: Invitae Variant Classification Sherloc (09022015). Collection method: clinical testing. Allele origin: germline.
Comment: For these reasons, this variant has been classified as Pathogenic. ClinVar contains an entry for this variant (Variation ID: 16296). This premature translational stop signal has been observed in individual(s) with clinical features of Kallmann syndrome (PMID: 17360555). This variant is not present in population databases (gnomAD no frequency). This sequence change creates a premature translational stop signal (p.Arg609*) in the FGFR1 gene. It is expected to result in an absent or disrupted protein product. Loss-of-function variants in FGFR1 are known to be pathogenic (PMID: 12627230).

Reproductive Endocrine Unit, Massachusetts General Hospital
Classification: Pathogenic for Hypogonadotropic hypogonadism 2 with or without anosmia. Last evaluated: 2023-05-04. Review status: criteria provided, single submitter. Criteria: ACMG Guidelines, 2015. Collection method: research. Allele origin: inherited, de novo. Affected: yes. Observed: 2 variant alleles.
Comment: The variant NM_023110.2:c.1825C>T, p.(Arg609*) het has been classified as P1c based on the variant meeting the following ACMG Criteria: PVS1,PM2,PP3.

Genetic Services Laboratory, University of Chicago
Classification: Pathogenic for Hypogonadotropic hypogonadism 2 with or without anosmia. Last evaluated: 2017-04-28. Review status: criteria provided, single submitter. Criteria: ACMG Guidelines, 2015. Collection method: clinical testing. Allele origin: germline. Affected: yes.

GeneDx
Classification: Pathogenic. Last evaluated: 2015-09-08. Review status: criteria provided, single submitter. Criteria: GeneDx Variant Classification (06012015). Collection method: clinical testing. Allele origin: germline. Affected: yes.
Comment: The R609X nonsense variant in the FGFR1 gene has been reported previously inassociation with Kallmann syndrome (Riley et al., 2007; Marcos et al., 2014). This variant is predicted to cause loss of normal protein function either through protein truncation ornonsense-mediated mRNA decay. Therefore, we consider the R609X variant to be pathogenic.

OMIM
Classification: risk factor for HYPOGONADOTROPIC HYPOGONADISM 2 WITH ANOSMIA, SUSCEPTIBILITY TO. Last evaluated: 2007-03-13. Review status: no assertion criteria provided. Collection method: literature only. Allele origin: germline. Not counted in ClinVar's aggregate classification.

Genomics England Pilot Project, Genomics England
Classification: Pathogenic for Hypogonadotropic hypogonadism 2 with or without anosmia. Review status: no assertion criteria provided. Criteria: ACGS Guidelines, 2016. Collection method: clinical testing. Allele origin: germline. Affected: yes. Not counted in ClinVar's aggregate classification.

Literature cited by the submitters: PubMed 17360555 (cited by 3 submitters); PubMed 12627230 (cited by Labcorp Genetics (formerly Invitae), Labcorp).

NM_023110.3(FGFR1):c.1825C>T (p.Arg609Ter)

Gene: FGFR1 (fibroblast growth factor receptor 1; minus strand). Cytogenetic location: 8p11.23.
Variant type: single nucleotide variant.
Coding change: c.1825C>T on transcript NM_023110.3 (MANE Select); coding-DNA position 1825, C replaced by T.
Protein change: p.Arg609Ter; replaces arginine 609 with a stop codon.
Molecular consequence: nonsense.
Genome position (GRCh38, 1-based): chr8:38,415,899, G>A on the plus strand (C>T on the coding strand, the complement: FGFR1 is on the minus strand). VCF-style: chr8-38415899-G-A. GRCh37 (hg19) VCF-style: chr8-38273417-G-A.
Other names: c.1819C>T, p.Arg607Ter (NM_001174063.2, NM_001174065.2, NM_001354367.2 and 1 more transcripts); c.1795C>T, p.Arg599Ter (NM_001174064.2); c.1558C>T, p.Arg520Ter (NM_001174066.2, NM_023105.3); c.1918C>T, p.Arg640Ter (NM_001174067.2); c.1546C>T, p.Arg516Ter (NM_001354368.2); c.1813C>T, p.Arg605Ter (NM_001354369.2); c.1552C>T, p.Arg518Ter (NM_001354370.2, NM_023106.3); short protein forms R609*, R518*, R516*, R520*, R607*, R640*, R599*, R605*.
Identifiers: ClinVar variation 16296 (VCV000016296.15), dbSNP rs121909639, ClinGen allele CA130219.